The following is an entry in ClinVar:

NM_001283009.2(RTEL1):c.2771G>C (p.Gly924Ala)

Genes: RTEL1 (regulator of telomere elongation helicase 1; plus strand), RTEL1-TNFRSF6B (RTEL1-TNFRSF6B readthrough (NMD candidate); plus strand). Cytogenetic location: 20q13.33.
Variant type: single nucleotide variant.
Coding change: c.2771G>C on transcript NM_001283009.2 (MANE Select); coding-DNA position 2771, G replaced by C.
Protein change: p.Gly924Ala; replaces glycine 924 with alanine.
Molecular consequence: missense variant. On other transcripts: non-coding transcript variant (1).
Genome position (GRCh38, 1-based): chr20:63,692,923, G>C. VCF-style: chr20-63692923-G-C. GRCh37 (hg19) VCF-style: chr20-62324276-G-C.
Other names: c.2102G>C, p.Gly701Ala (NM_001283010.1); c.2771G>C, p.Gly924Ala (NM_016434.4); c.2843G>C, p.Gly948Ala (NM_032957.5); short protein forms G948A, G701A, G924A.
Identifiers: ClinVar variation 3791176 (VCV003791176.2).

ClinVar aggregate classification (germline): Uncertain significance. Review status: criteria provided, multiple submitters, no conflicts (2 of 4 stars). 2 submissions from 2 submitters: Uncertain significance (2). Last evaluated 2025-10-06.

Conditions:
Pulmonary fibrosis and/or bone marrow failure, Telomere-related, 3. Also called: PULMONARY FIBROSIS AND/OR BONE MARROW FAILURE SYNDROME, TELOMERE-RELATED, 3. Identifiers: Orphanet 2032, MedGen C4225346, MONDO:0014613, OMIM 616373.
Dyskeratosis congenita, autosomal recessive 5 (DKCB5). Identifiers: MedGen C3554656, MONDO:0014076, OMIM 615190.
Inborn genetic diseases. Identifiers: MedGen C0950123, MeSH D030342.

gnomAD v4.1: 19 of 1,612,654 alleles (0.0012%); highest among the groups gnomAD compares: Non-Finnish European, 0.0016%; no homozygotes.

Submissions (2):

Labcorp Genetics (formerly Invitae), Labcorp
Classification: Uncertain significance for Dyskeratosis congenita, autosomal recessive 5; Pulmonary fibrosis and/or bone marrow failure, Telomere-related, 3. Last evaluated: 2025-10-06. Review status: criteria provided, single submitter. Criteria: Invitae Variant Classification Sherloc (09022015). Collection method: clinical testing. Allele origin: germline.
Comment: This sequence change replaces glycine, which is neutral and non-polar, with alanine, which is neutral and non-polar, at codon 924 of the RTEL1 protein (p.Gly924Ala). This variant is present in population databases (rs776546788, gnomAD 0.002%). This variant has not been reported in the literature in individuals affected with RTEL1-related conditions. ClinVar contains an entry for this variant (Variation ID: 3791176). An algorithm developed to predict the effect of missense changes on protein structure and function outputs the following: PolyPhen-2: "Benign". The alanine amino acid residue is found in multiple mammalian species, which suggests that this missense change does not adversely affect protein function. In summary, the available evidence is currently insufficient to determine the role of this variant in disease. Therefore, it has been classified as a Variant of Uncertain Significance.

Ambry Genetics
Classification: Uncertain significance for Inborn genetic diseases. Last evaluated: 2025-02-22. Review status: criteria provided, single submitter. Criteria: Ambry Variant Classification Scheme 2023. Collection method: clinical testing. Allele origin: germline.
Comment: The p.G924A variant (also known as c.2771G>C), located in coding exon 28 of the RTEL1 gene, results from a G to C substitution at nucleotide position 2771. The glycine at codon 924 is replaced by alanine, an amino acid with similar properties. This amino acid position is conserved. In addition, this alteration is predicted to be tolerated by in silico analysis. Based on the available evidence, the clinical significance of this variant remains unclear.